The following is an entry in ClinVar:

NM_001083962.2(TCF4):c.655G>A (p.Asp219Asn)

Gene: TCF4 (transcription factor 4; minus strand). Cytogenetic location: 18q21.2.
Variant type: single nucleotide variant.
Coding change: c.655G>A on transcript NM_001083962.2 (MANE Select); coding-DNA position 655, G replaced by A.
Protein change: p.Asp219Asn; replaces aspartic acid 219 with asparagine.
Molecular consequence: missense variant.
Genome position (GRCh38, 1-based): chr18:55,279,551, C>T on the plus strand (G>A on the coding strand, the complement: TCF4 is on the minus strand). VCF-style: chr18-55279551-C-T. GRCh37 (hg19) VCF-style: chr18-52946782-C-T.
Other names: c.961G>A, p.Asp321Asn (NM_001243226.3); c.583G>A, p.Asp195Asn (NM_001243227.2, NM_001306207.1, NM_001348217.1 and 9 more transcripts); c.673G>A, p.Asp225Asn (NM_001243228.2); c.649G>A, p.Asp217Asn (NM_001243230.2); c.529G>A, p.Asp177Asn (NM_001243231.2, NM_001348211.2); c.442G>A, p.Asp148Asn (NM_001243232.1, NM_001306208.1); c.265G>A, p.Asp89Asn (NM_001243233.2, NM_001330605.3, NM_001348212.2 and 1 more transcripts); c.175G>A, p.Asp59Asn (NM_001243234.2, NM_001243235.2, NM_001243236.2 and 2 more transcripts); and 4 more; short protein forms D219N, D148N, D3N, D195N, D194N, D218N, D321N, D59N.
Identifiers: ClinVar variation 279907 (VCV000279907.3), dbSNP rs886041248, ClinGen allele CA10603422.

ClinVar aggregate classification (germline): Pathogenic (1 of 4 stars; one submission).

Submission:

GeneDx
Classification: Pathogenic. Last evaluated: 2025-04-01. Review status: criteria provided, single submitter. Criteria: GeneDx Variant Classification Process June 2021. Collection method: clinical testing. Allele origin: germline. Affected: yes.
Comment: This variant is demonstrated to destroy the canonical splice donor site and result in loss of function (PMID: 22581936); Not observed at significant frequency in large population cohorts (gnomAD); This variant is associated with the following publications: (PMID: 22581936, 33057194, 29588831, 33528536, 35982159)